The following is an entry in ClinVar:

NM_020631.6(PLEKHG5):c.2887G>T (p.Gly963Trp)

Gene: PLEKHG5 (pleckstrin homology and RhoGEF domain containing G5; minus strand). Cytogenetic location: 1p36.31.
Variant type: single nucleotide variant.
Coding change: c.2887G>T on transcript NM_020631.6 (MANE Select); coding-DNA position 2887, G replaced by T.
Protein change: p.Gly963Trp; replaces glycine 963 with tryptophan.
Molecular consequence: missense variant. On other transcripts: intron variant (1).
Genome position (GRCh38, 1-based): chr1:6,467,949, C>A on the plus strand (G>T on the coding strand, the complement: PLEKHG5 is on the minus strand). VCF-style: chr1-6467949-C-A. GRCh37 (hg19) VCF-style: chr1-6528009-C-A.
Other names: c.2998G>T, p.Gly1000Trp (NM_001042663.3, NM_001265592.2); c.2887G>T, p.Gly963Trp (NM_001042664.2, NM_001042665.2, NM_198681.4); c.3094G>T, p.Gly1032Trp (NM_001265593.2); c.2738-51G>T (NM_001265594.3); short protein forms G1032W, G1000W, G963W.
Identifiers: ClinVar variation 1384434 (VCV001384434.5), dbSNP rs780100460, ClinGen allele CA561073.
Genomic context (GRCh38, chr1:6,467,949, plus strand): 5'-GCTTCCTGTGCTGGGCAGAGACCCCTGGTGGGGGCTCAGGCTGGACCCTGGGAGAGGCCC[C>A]CGAGGGCAGGTCTCCACACCTCTTCCTGTGGGAGCCTGCAGGTTCCCCGGCCAGGCAGCC-3'
Protein context (NP_065682.2, residues 953-973): HRKRCGDLPS[Gly963Trp]ASPRVQPEPP

ClinVar aggregate classification (germline): Uncertain significance (1 of 4 stars; one submission).

Conditions:
Neuronopathy, distal hereditary motor, autosomal recessive 4. Also called: Autosomal recessive lower motor neuron disease with childhood onset; NEUROPATHY, DISTAL HEREDITARY MOTOR, AUTOSOMAL RECESSIVE 4. Identifiers: Orphanet 206580, MedGen C1970211, MONDO:0012608, OMIM 611067.
Charcot-Marie-Tooth disease recessive intermediate C. Also called: CHARCOT-MARIE-TOOTH NEUROPATHY, RECESSIVE INTERMEDIATE C. Identifiers: Orphanet 369867, MedGen C3809309, MONDO:0014154, OMIM 615376.

Allele frequency attached by ClinVar (database versions not stated): TOPMed 0.00001; ExAC 0.00006.
gnomAD v4.1: 15 of 1,573,412 alleles (0.00095%); highest among the groups gnomAD compares: South Asian, 0.017%; no homozygotes.

Submission:

Labcorp Genetics (formerly Invitae), Labcorp
Classification: Uncertain significance for Neuronopathy, distal hereditary motor, autosomal recessive 4; Charcot-Marie-Tooth disease recessive intermediate C. Last evaluated: 2022-07-06. Review status: criteria provided, single submitter. Criteria: Invitae Variant Classification Sherloc (09022015). Collection method: clinical testing. Allele origin: germline.
Comment: This sequence change replaces glycine, which is neutral and non-polar, with tryptophan, which is neutral and slightly polar, at codon 963 of the PLEKHG5 protein (p.Gly963Trp). This variant is present in population databases (rs780100460, gnomAD 0.02%). This variant has not been reported in the literature in individuals affected with PLEKHG5-related conditions. ClinVar contains an entry for this variant (Variation ID: 1384434). Algorithms developed to predict the effect of missense changes on protein structure and function are either unavailable or do not agree on the potential impact of this missense change (SIFT: "Deleterious"; PolyPhen-2: "Probably Damaging"; Align-GVGD: "Class C0"). In summary, the available evidence is currently insufficient to determine the role of this variant in disease. Therefore, it has been classified as a Variant of Uncertain Significance.